The following is an entry in ClinVar:

ClinVar aggregate classification (germline): Pathogenic (1 of 4 stars; one submission).

Conditions:
Ehlers-Danlos syndrome due to tenascin-X deficiency (EDSCLL1). Also called: Ehlers-Danlos syndrome, classic-like, 1; EHLERS-DANLOS SYNDROME, CLASSIC-LIKE; TNXB-Related Classical-Like Ehlers-Danlos Syndrome; EDS DUE TO TNX DEFICIENCY; TNX DEFICIENCY. Identifiers: Orphanet 230839, MedGen C1848029, MONDO:0011670, OMIM 606408.

Submission:

Myriad Genetics, Inc.
Classification: Pathogenic for Ehlers-Danlos syndrome due to tenascin-X deficiency. Last evaluated: 2024-05-13. Review status: criteria provided, single submitter. Criteria: Myriad Autosomal Dominant, Autosomal Recessive and X-Linked Classification Criteria (2023). Collection method: clinical testing. Allele origin: unknown.
Comment: NM_019105.6(TNXB):c.10438C>T(Q3480*) is expected to be pathogenic in the context of classical-like Ehlers-Danlos syndrome, TNXB-related. This variant is predicted to lead to an abnormal or absent protein product due to the creation of a premature termination codon in TNXB, a gene where loss-of-function variants are known to be pathogenic. Please note: this variant was assessed in the context of healthy population screening.

NM_001365276.2(TNXB):c.10444C>T (p.Gln3482Ter)

Gene: TNXB (tenascin XB; minus strand). Cytogenetic location: 6p21.33.
Variant type: single nucleotide variant.
Coding change: c.10444C>T on transcript NM_001365276.2 (MANE Select); coding-DNA position 10444, C replaced by T.
Protein change: p.Gln3482Ter; replaces glutamine 3482 with a stop codon.
Molecular consequence: nonsense.
Genome position (GRCh38, 1-based): chr6:32,046,337, G>A on the plus strand (C>T on the coding strand, the complement: TNXB is on the minus strand). VCF-style: chr6-32046337-G-A. GRCh37 (hg19) VCF-style: chr6-32014114-G-A.
Other names: c.11185C>T, p.Gln3729Ter (NM_001428335.1); c.10438C>T, p.Gln3480Ter (NM_019105.8); short protein forms Q3480*, Q3482*, Q3729*.
Identifiers: ClinVar variation 5013043 (VCV005013043.1).